The following is an entry in ClinVar:

ClinVar aggregate classification (germline): Likely pathogenic. Review status: criteria provided, multiple submitters, no conflicts (2 of 4 stars). 2 submissions from 2 submitters: Likely pathogenic (2). Last evaluated 2025-02-16.

Conditions:
Hyperekplexia 3 (HKPX3). Also called: HYPEREKPLEXIA 3, AUTOSOMAL RECESSIVE; HYPEREKPLEXIA 3, AUTOSOMAL DOMINANT. Identifiers: Orphanet 3197, MedGen C3553288, MONDO:0013827, OMIM 614618.

Submissions (2):

Laboratory of Genetics, Children's Clinical University Hospital Latvia
Classification: Likely pathogenic. Last evaluated: 2025-02-16. Review status: criteria provided, single submitter. Criteria: ACMG Guidelines, 2015. Collection method: clinical testing. Allele origin: germline. Affected: yes.

Labcorp Genetics (formerly Invitae), Labcorp
Classification: Likely pathogenic for Hyperekplexia 3. Last evaluated: 2022-05-13. Review status: criteria provided, single submitter. Criteria: Invitae Variant Classification Sherloc (09022015). Collection method: clinical testing. Allele origin: germline.
Comment: In summary, the currently available evidence indicates that the variant is pathogenic, but additional data are needed to prove that conclusively. Therefore, this variant has been classified as Likely Pathogenic. This sequence change affects a donor splice site in intron 5 of the SLC6A5 gene. It is expected to disrupt RNA splicing. Variants that disrupt the donor or acceptor splice site typically lead to a loss of protein function (PMID: 16199547), and loss-of-function variants in SLC6A5 are known to be pathogenic (PMID: 14622583, 16751771, 22700964). This variant is not present in population databases (gnomAD no frequency). This variant has not been reported in the literature in individuals affected with SLC6A5-related conditions. Algorithms developed to predict the effect of sequence changes on RNA splicing suggest that this variant may disrupt the consensus splice site.

Literature cited by the submitters: PubMed 16199547 (cited by Labcorp Genetics (formerly Invitae), Labcorp); PubMed 14622583 (cited by Labcorp Genetics (formerly Invitae), Labcorp); PubMed 16751771 (cited by Labcorp Genetics (formerly Invitae), Labcorp); PubMed 22700964 (cited by Labcorp Genetics (formerly Invitae), Labcorp).

NM_004211.5(SLC6A5):c.985+1G>A

Gene: SLC6A5 (solute carrier family 6 member 5; plus strand). Cytogenetic location: 11p15.1.
Variant type: single nucleotide variant.
Coding change: c.985+1G>A on transcript NM_004211.5 (MANE Select); the canonical splice donor site of the intron after coding-DNA position 985, G replaced by A.
Molecular consequence: splice donor variant.
Genome position (GRCh38, 1-based): chr11:20,607,653, G>A. VCF-style: chr11-20607653-G-A. GRCh37 (hg19) VCF-style: chr11-20629199-G-A.
Other names: c.283+1G>A (NM_001318369.2).
Identifiers: ClinVar variation 1993983 (VCV001993983.5), dbSNP rs1251099671, ClinGen allele CA379914693.
Genomic context (GRCh38, chr11:20,607,653, plus strand): 5'-GCTCCTGCAACAACCCTTGGAATACGCCAGAATGCAAAGATAAAACCAAACTTTTATTAG[G>A]TAAGTTTGGAAATACCTGCTTTAGGTGTGTGTATTCTAAACTATCCATTTATTCAGCAAA-3'